The following is an entry in ClinVar:

NM_031157.4(HNRNPA1):c.1099G>A (p.Gly367Ser)

Gene: HNRNPA1 (heterogeneous nuclear ribonucleoprotein A1; plus strand). Cytogenetic location: 12q13.13.
Variant type: single nucleotide variant.
Coding change: c.1099G>A on transcript NM_031157.4 (MANE Select); coding-DNA position 1099, G replaced by A.
Protein change: p.Gly367Ser; replaces glycine 367 with serine.
Molecular consequence: missense variant. On other transcripts: non-coding transcript variant (1).
Genome position (GRCh38, 1-based): chr12:54,284,293, G>A. VCF-style: chr12-54284293-G-A. GRCh37 (hg19) VCF-style: chr12-54678077-G-A.
Other names: p.Gly367Ser; c.943G>A, p.Gly315Ser (NM_002136.4); short protein forms G315S, G367S.
Identifiers: ClinVar variation 1677313 (VCV001677313.3), dbSNP rs772603507, ClinGen allele CA6606434.

ClinVar aggregate classification (germline): Uncertain significance (1 of 4 stars; one submission).

Conditions:
Inclusion body myopathy with early-onset Paget disease with or without frontotemporal dementia 3. Also called: MULTISYSTEM PROTEINOPATHY 3. Identifiers: MedGen C3809469, MONDO:0014179, OMIM 615424.

Allele frequency attached by ClinVar (database versions not stated): gnomAD exomes 0.00001; ExAC 0.00002.
gnomAD v4.1: 4 of 1,613,980 alleles (0.00025%); highest among the groups gnomAD compares: South Asian, 0.0044%; no homozygotes.

Submission:

Foundation for Research in Genetics and Endocrinology, FRIGE's Institute of Human Genetics
Classification: Uncertain significance for Inclusion body myopathy with early-onset Paget disease with or without frontotemporal dementia 3. Last evaluated: 2021-12-21. Review status: criteria provided, single submitter. Criteria: ACMG Guidelines, 2015. Collection method: clinical testing. Allele origin: germline. Inheritance: Autosomal dominant inheritance. Affected: yes. Observed: 1 heterozygote.
Comment: A heterozygous missense variation in exon 10 of the HNRNPA1 gene that results in the amino acid substitution of lysine for Glutamic acid at codon 367 was detected. The observed variant c.1099G>A (p.Gly367Ser) has not been reported in the 1000 genomes and gnomAD databases. The in silico prediction of the variant are possibly damaging by PolyPhen-2. The reference codon is conserved across species. In summary, the variant meets our criteria to be classified as a variant of uncertain significance.